The following is an entry in ClinVar:

NM_032108.4(SEMA6B):c.1443C>A (p.Tyr481Ter)

Gene: SEMA6B (semaphorin 6B; minus strand). Cytogenetic location: 19p13.3.
Variant type: single nucleotide variant.
Coding change: c.1443C>A on transcript NM_032108.4 (MANE Select); coding-DNA position 1443, C replaced by A.
Protein change: p.Tyr481Ter; replaces tyrosine 481 with a stop codon.
Molecular consequence: nonsense.
Genome position (GRCh38, 1-based): chr19:4,548,274, G>T on the plus strand (C>A on the coding strand, the complement: SEMA6B is on the minus strand). VCF-style: chr19-4548274-G-T. GRCh37 (hg19) VCF-style: chr19-4548286-G-T.
Other names: short protein forms Y481*.
Identifiers: ClinVar variation 4527691 (VCV004527691.1).

ClinVar aggregate classification (germline): Uncertain significance (1 of 4 stars; one submission).

Submission:

GeneDx
Classification: Uncertain significance. Last evaluated: 2025-04-28. Review status: criteria provided, single submitter. Criteria: GeneDx Variant Classification Process June 2021. Collection method: clinical testing. Allele origin: germline. Affected: yes.
Comment: Not observed at significant frequency in large population cohorts (gnomAD); Nonsense variant predicted to result in protein truncation or nonsense mediated decay in a gene or region of a gene for which loss of function is not a well-established mechanism of disease; Has not been previously published as pathogenic or benign to our knowledge